The following is an entry in ClinVar:

ClinVar aggregate classification (germline): Uncertain significance (1 of 4 stars; one submission).

Conditions:
Intellectual developmental disorder, autosomal dominant 1. Also called: Intellectual disability, autosomal dominant 1; MBD5 Haploinsufficiency. Identifiers: Orphanet 228402, MedGen C1969562, MONDO:0007974, OMIM 156200.

gnomAD v4.1: 1 of 1,614,208 alleles (0.000062%); no homozygotes.

Submission:

Labcorp Genetics (formerly Invitae), Labcorp
Classification: Uncertain significance for Intellectual developmental disorder, autosomal dominant 1. Last evaluated: 2021-06-25. Review status: criteria provided, single submitter. Criteria: Invitae Variant Classification Sherloc (09022015). Collection method: clinical testing. Allele origin: germline.
Comment: This sequence change replaces asparagine with threonine at codon 1384 of the MBD5 protein (p.Asn1384Thr). The asparagine residue is highly conserved and there is a small physicochemical difference between asparagine and threonine. Algorithms developed to predict the effect of missense changes on protein structure and function are either unavailable or do not agree on the potential impact of this missense change (SIFT: "Deleterious"; PolyPhen-2: "Not Available"; Align-GVGD: "Class C55"). This variant has not been reported in the literature in individuals with MBD5-related conditions. In summary, the available evidence is currently insufficient to determine the role of this variant in disease. Therefore, it has been classified as a Variant of Uncertain Significance. This variant is not present in population databases (ExAC no frequency).

NM_001378120.1(MBD5):c.4850A>C (p.Asn1617Thr)

Gene: MBD5 (methyl-CpG binding domain protein 5; plus strand). Cytogenetic location: 2q23.1.
Variant type: single nucleotide variant.
Coding change: c.4850A>C on transcript NM_001378120.1 (MANE Select); coding-DNA position 4850, A replaced by C.
Protein change: p.Asn1617Thr; replaces asparagine 1617 with threonine.
Molecular consequence: missense variant.
Genome position (GRCh38, 1-based): chr2:148,490,482, A>C. VCF-style: chr2-148490482-A-C. GRCh37 (hg19) VCF-style: chr2-149248051-A-C.
Other names: c.4151A>C, p.Asn1384Thr (NM_018328.5); short protein forms N1384T, N1617T.
Identifiers: ClinVar variation 1450620 (VCV001450620.8), dbSNP rs753754490, ClinGen allele CA348731705.